The following is an entry in ClinVar:

NM_177559.3(CSNK2A1):c.152G>T (p.Ser51Ile)

Gene: CSNK2A1 (casein kinase 2 alpha 1; minus strand). Cytogenetic location: 20p13.
Variant type: single nucleotide variant.
Coding change: c.152G>T on transcript NM_177559.3 (MANE Select); coding-DNA position 152, G replaced by T.
Protein change: p.Ser51Ile; replaces serine 51 with isoleucine.
Molecular consequence: missense variant. On other transcripts: 5 prime UTR variant (1).
Genome position (GRCh38, 1-based): chr20:505,179, C>A on the plus strand (G>T on the coding strand, the complement: CSNK2A1 is on the minus strand). VCF-style: chr20-505179-C-A. GRCh37 (hg19) VCF-style: chr20-485823-C-A.
Other names: c.152G>T, p.Ser51Ile (NM_001362770.2, NM_001362771.2, NM_001895.4); c.-257G>T (NM_177560.3); short protein forms S51I.
Identifiers: ClinVar variation 4282412 (VCV004282412.1).
Genomic context (GRCh38, chr20:505,179, plus strand): 5'-TTGAGAATTTTAACAACAACTTTTTCATTATTTGTGATGTTGATGGCTTCAAATACTTCA[C>A]TGTATTTACCTCGGCCTAATTTTCGAACCAGCTGGTAGTCATCTTGATTTCTGTGGACAC-3'
Protein context (NP_808227.1, residues 41-61): LVRKLGRGKY[Ser51Ile]EVFEAINITN

ClinVar aggregate classification (germline): Pathogenic (1 of 4 stars; one submission).

Submission:

GeneDx
Classification: Pathogenic. Last evaluated: 2025-04-05. Review status: criteria provided, single submitter. Criteria: GeneDx Variant Classification Process June 2021. Collection method: clinical testing. Allele origin: germline. Affected: yes.
Comment: Reported in a proband from a large cohort of patients with neurodevelopmental disorders; however, detailed clinical information was not provided (PMID: 33004838); Not observed at significant frequency in large population cohorts (gnomAD); In silico analysis supports that this missense variant has a deleterious effect on protein structure/function; This variant is associated with the following publications: (PMID: 36310603, 33004838)